The following is an entry in ClinVar:

NM_001039469.3(MARK2):c.1417-2A>G

Gene: MARK2 (microtubule affinity regulating kinase 2; plus strand). Cytogenetic location: 11q13.1.
Variant type: single nucleotide variant.
Coding change: c.1417-2A>G on transcript NM_001039469.3 (MANE Select); the canonical splice acceptor site of the intron before coding-DNA position 1417, A replaced by G.
Molecular consequence: splice acceptor variant.
Genome position (GRCh38, 1-based): chr11:63,903,059, A>G. VCF-style: chr11-63903059-A-G. GRCh37 (hg19) VCF-style: chr11-63670531-A-G.
Other names: c.1417-2A>G (NM_001163296.2); c.1414-2A>G (NM_004954.5, NM_001163297.2); c.1315-2A>G (NM_017490.4).
Identifiers: ClinVar variation 3378069 (VCV003378069.1).

ClinVar aggregate classification (germline): Uncertain significance (1 of 4 stars; one submission).

Submission:

GeneDx
Classification: Uncertain significance. Last evaluated: 2023-03-10. Review status: criteria provided, single submitter. Criteria: GeneDx Variant Classification Process June 2021. Collection method: clinical testing. Allele origin: germline. Affected: yes.
Comment: Canonical splice site variant in a gene or region of a gene for which loss of function is not a well-established mechanism of disease; Not observed at significant frequency in large population cohorts (gnomAD); Has not been previously published as pathogenic or benign to our knowledge; Variants in candidate genes are classified as variants of uncertain significance in accordance with ACMG guidelines (Richards et al., 2015)